The following is an entry in ClinVar:

NM_001080397.3(SLC45A1):c.1827C>T (p.Ile609=)

Gene: SLC45A1 (solute carrier family 45 member 1; plus strand). Cytogenetic location: 1p36.23.
Variant type: single nucleotide variant.
Coding change: c.1827C>T on transcript NM_001080397.3 (MANE Select); coding-DNA position 1827, C replaced by T.
Protein change: p.Ile609=; no amino-acid change (isoleucine 609 retained).
Molecular consequence: synonymous variant.
Genome position (GRCh38, 1-based): chr1:8,339,545, C>T. VCF-style: chr1-8339545-C-T. GRCh37 (hg19) VCF-style: chr1-8399605-C-T.
Other names: c.1851C>T, p.Ile617= (NM_001379614.1); c.1758C>T, p.Ile586= (NM_001379615.1); c.1734C>T, p.Ile578= (NM_001379616.1); c.1245C>T, p.Ile415= (NM_001379617.1); c.1221C>T, p.Ile407= (NM_001379618.1).
Identifiers: ClinVar variation 4821746 (VCV004821746.4).
Genomic context (GRCh38, chr1:8,339,545, plus strand): 5'-GCCCGCAGCTATCCTGGAGAAGCTGGAGGAGTTCCTCAGCGTCCGCACCCTCTACTTCAT[C>T]GCCTATCTCGCCTTCGGCCTGGGGACCGGGCTTGCCACCCTCTCCAGGAACCTCTACGTG-3'
Protein context (NP_001073866.3, residues 599-619): EFLSVRTLYF[Ile609=]AYLAFGLGTG

ClinVar aggregate classification (germline): Likely benign (1 of 4 stars; one submission).

gnomAD v4.1: 21 of 1,614,108 alleles (0.0013%); highest among the groups gnomAD compares: African/African-American, 0.0053%; no homozygotes.

Submission:

CeGaT Center for Human Genetics Tuebingen
Classification: Likely benign. Last evaluated: 2026-02-01. Review status: criteria provided, single submitter. Criteria: CeGaT Center For Human Genetics Tuebingen Variant Classification Criteria Version 2. Collection method: clinical testing. Allele origin: germline. Affected: yes. Observed: 1 variant allele.
Comment: SLC45A1: BP4, BP7